The following is an entry in ClinVar:

NM_015046.7(SETX):c.1098+1G>T

Gene: SETX (senataxin; minus strand). Cytogenetic location: 9q34.13.
Variant type: single nucleotide variant.
Coding change: c.1098+1G>T on transcript NM_015046.7 (MANE Select); the canonical splice donor site of the intron after coding-DNA position 1098, G replaced by T.
Molecular consequence: splice donor variant.
Genome position (GRCh38, 1-based): chr9:132,331,051, C>A on the plus strand (G>T on the coding strand, the complement: SETX is on the minus strand). VCF-style: chr9-132331051-C-A. GRCh37 (hg19) VCF-style: chr9-135206438-C-A.
Other names: c.1098+1G>T (NM_001351528.2, NM_001351527.2).
Identifiers: ClinVar variation 4070951 (VCV004070951.1).

ClinVar aggregate classification (germline): Likely pathogenic (1 of 4 stars; one submission).

Conditions:
Spinocerebellar ataxia, autosomal recessive, with axonal neuropathy 2 (SCAN2). Also called: Ataxia-ocular apraxia-2; Ataxia with Oculomotor Apraxia Type 2; ATAXIA-OCULOMOTOR APRAXIA 2; Ataxia with Oculomotor Apraxia. Identifiers: Orphanet 64753, MedGen C1853761, MONDO:0018996, OMIM 606002.

Submission:

Diagnostics Services (NGS), CSIR - Centre For Cellular And Molecular Biology
Classification: Likely pathogenic for Spinocerebellar ataxia, autosomal recessive, with axonal neuropathy 2. Last evaluated: 2025-07-23. Review status: criteria provided, single submitter. Criteria: ACMG Guidelines, 2015. Collection method: clinical testing. Allele origin: germline. Affected: yes. Observed: 1 variant allele, 1 homozygote.
Comment: The c.1098+1G>T variant is not present in publicly available population databases like 1000 Genomes, EVS, gnomAD, Indian Exome Database or our internal database. This variant has neither been published in the literature for SETX-related conditions nor reported to clinical databases like Human Genome Mutation database (HGMD), OMIM, or ClinVar in any affected individuals. Algorithms developed to predict the effect of sequence changes on RNA splicing suggest that this variant can disrupt the consensus splice site. In-silico pathogenicity prediction programs like HSF3.1, MutationTaster2, CADD, Varsome etc predicted the variant to be likely deleterious, however these predictions were not confirmed by published functional/translational studies.